The following is an entry in ClinVar:

ClinVar aggregate classification (germline): Uncertain significance (1 of 4 stars; one submission).

Conditions:
Long QT syndrome (LQTS). Identifiers: MedGen C0023976, MeSH D008133, MONDO:0002442. Disease mechanism: loss of function. Inheritance: Various modes of inheritance.

gnomAD v4.1: 2 of 1,613,584 alleles (0.00012%); highest among the groups gnomAD compares: African/African-American, 0.0013%; no homozygotes.

Submission:

Labcorp Genetics (formerly Invitae), Labcorp
Classification: Uncertain significance for Long QT syndrome. Last evaluated: 2024-11-28. Review status: criteria provided, single submitter. Criteria: Invitae Variant Classification Sherloc (09022015). Collection method: clinical testing. Allele origin: germline.
Comment: This sequence change replaces glycine, which is neutral and non-polar, with serine, which is neutral and polar, at codon 599 of the CACNA1C protein (p.Gly599Ser). This variant is not present in population databases (gnomAD no frequency). This variant has not been reported in the literature in individuals affected with CACNA1C-related conditions. Invitae Evidence Modeling of protein sequence and biophysical properties (such as structural, functional, and spatial information, amino acid conservation, physicochemical variation, residue mobility, and thermodynamic stability) indicates that this missense variant is not expected to disrupt CACNA1C protein function with a negative predictive value of 95%. In summary, the available evidence is currently insufficient to determine the role of this variant in disease. Therefore, it has been classified as a Variant of Uncertain Significance.

NM_000719.7(CACNA1C):c.1795G>A (p.Gly599Ser)

Gene: CACNA1C (calcium voltage-gated channel subunit alpha1 C; plus strand). Cytogenetic location: 12p13.33.
Variant type: single nucleotide variant.
Coding change: c.1795G>A on transcript NM_000719.7 (MANE Select); coding-DNA position 1795, G replaced by A.
Protein change: p.Gly599Ser; replaces glycine 599 with serine.
Molecular consequence: missense variant.
Genome position (GRCh38, 1-based): chr12:2,567,694, G>A. VCF-style: chr12-2567694-G-A. GRCh37 (hg19) VCF-style: chr12-2676860-G-A.
Other names: c.1795G>A, p.Gly599Ser (NM_001129827.2, NM_001129829.2, NM_001129840.2 and 18 more transcripts); c.1786G>A, p.Gly596Ser (NM_001129844.2); short protein forms G596S, G599S.
Identifiers: ClinVar variation 3614871 (VCV003614871.2).